The following is an entry in ClinVar:

NM_001271.4(CHD2):c.4575del (p.His1525fs)

Gene: CHD2 (chromodomain helicase DNA binding protein 2; plus strand). Cytogenetic location: 15q26.1.
Variant type: Deletion.
Coding change: c.4575del on transcript NM_001271.4 (MANE Select); coding-DNA position 4575, one base deleted (C; older notation c.4575delC).
Protein change: p.His1525fs; shifts the reading frame from histidine 1525.
Molecular consequence: frameshift variant.
Genome position (GRCh38, 1-based): chr15:93,009,306, C deleted. VCF-style (leftmost placement, unchanged base first): chr15-93009305-AC-A. GRCh37 (hg19) VCF-style: chr15-93552535-AC-A.
Other names: short protein forms H1525fs.
Identifiers: ClinVar variation 4614475 (VCV004614475.1).
Genomic context (GRCh38, chr15:93,009,305, plus strand): 5'-GCCTGCTGAAAATCGGAGACCGGATAGCCGAGTGCCTTAAAGCCTACTCAGATCAGGAGC[AC>A]ATCAAACTCTGGAGGAGGTAACCACTTTGGCCTCGTCTGCCCAGTTTGATTTGACTGAGT-3'

ClinVar aggregate classification (germline): Pathogenic (1 of 4 stars; one submission).

Conditions:
Inborn genetic diseases. Identifiers: MedGen C0950123, MeSH D030342.

Submission:

Ambry Genetics
Classification: Pathogenic for Inborn genetic diseases. Last evaluated: 2025-10-21. Review status: criteria provided, single submitter. Criteria: Ambry Variant Classification Scheme 2023. Collection method: clinical testing. Allele origin: germline.
Comment: The c.4575delC (p.H1525Qfs*48) alteration, located in exon 35 (coding exon 34) of the CHD2 gene, consists of a deletion of one nucleotide at position 4575, causing a translational frameshift with a predicted alternate stop codon after 48 amino acids. This alteration is expected to result in loss of function by premature protein truncation or nonsense-mediated mRNA decay. This variant was not reported in population-based cohorts in the Genome Aggregation Database (gnomAD). Based on the available evidence, this alteration is classified as pathogenic.